The following is an entry in ClinVar:

ClinVar aggregate classification (germline): Likely benign. Review status: criteria provided, single submitter (1 of 4 stars). 2 submissions from 2 submitters: Likely benign (1). 1 of the submissions does not count toward it. Last evaluated 2026-01-26.

Conditions:
Polycystic kidney disease. Also called: Kidney, Polycystic; Polycystic kidney dysplasia. Identifiers: MedGen C0022680, MeSH D007690, MONDO:0020642, HP:0000113.
PKD1-related disorder. Also called: PKD1-related condition.

Allele frequency attached by ClinVar (database versions not stated): gnomAD exomes 0.00001 and 0.00006; TOPMed 0.00002.
gnomAD v4.1: 20 of 1,548,076 alleles (0.0013%); highest among the groups gnomAD compares: Admixed American, 0.016%; no homozygotes.

Submissions (2):

PreventionGenetics, part of Exact Sciences
Classification: Likely benign for PKD1-related condition. Last evaluated: 2026-01-26. Review status: criteria provided, single submitter. Criteria: ACMG Guidelines, 2015. Collection method: clinical testing. Allele origin: germline.
Comment: This variant is classified as likely benign based on ACMG/AMP sequence variant interpretation guidelines (Richards et al. 2015 PMID: 25741868, with internal and published modifications).

Department of Pathology and Laboratory Medicine, Sinai Health System
Classification: Likely benign for Polycystic Kidney disease. Review status: no assertion criteria provided. Collection method: clinical testing. Allele origin: unknown. Affected: yes. Study: The Canadian Open Genetics Repository (COGR). Not counted in ClinVar's aggregate classification.
Comment: The PKD1 p.Arg2318= variant was not identified in the literature nor was it identified in the ClinVar, LOVD 3.0, ADPKD Mutation Database and PKD1-LOVD databases. The variant was identified in dbSNP (rs1209701736) as â€šÃ„ÃºNAâ€šÃ„Ã¹. The variant was identified in control databases in 11 of 179,566 chromosomes at a frequency of 0.00006 (Genome Aggregation Database Feb 27, 2017). The variant was observed in the following populations: Latino in 7 of 25,516 chromosomes (freq: 0.0003), Other in 1 of 5398 chromosomes (freq: 0.0002), African in 1 of 16,110 chromosomes (freq: 0.00006), European in 2 of 71,052 chromosomes (freq: 0.00003), while the variant was not observed in the Ashkenazi Jewish, East Asian, Finnish and South Asian populations. In addition we cannot be certain that data from control databases is specific to PKD1 and not from one of the six PKD1 pseudogenes. The p.Arg2318= variant is not expected to have clinical significance because it does not result in a change of amino acid and is not located in a known consensus splice site. The variant occurs at a non-highly conserved nucleotide outside of the splicing consensus sequence and in silico or computational prediction software programs (SpliceSiteFinder, MaxEntScan, NNSPLICE, GeneSplicer) do not predict a difference in splicing. In summary, based on the above information the clinical significance of this variant cannot be determined with certainty at this time although we would lean towards a more benign role for this variant. This variant is classified as likely benign.

NM_001009944.3(PKD1):c.6954C>T (p.Arg2318=)

Gene: PKD1 (polycystin 1, transient receptor potential channel interacting; minus strand). Cytogenetic location: 16p13.3.
Variant type: single nucleotide variant.
Coding change: c.6954C>T on transcript NM_001009944.3 (MANE Select); coding-DNA position 6954, C replaced by T.
Protein change: p.Arg2318=; no amino-acid change (arginine 2318 retained).
Molecular consequence: synonymous variant.
Genome position (GRCh38, 1-based): chr16:2,107,994, G>A on the plus strand (C>T on the coding strand, the complement: PKD1 is on the minus strand). VCF-style: chr16-2107994-G-A. GRCh37 (hg19) VCF-style: chr16-2157995-G-A.
Other names: c.6954C>T (NM_001009944.2); c.6954C>T, p.Arg2318= (NM_000296.4).
Identifiers: ClinVar variation 997210 (VCV000997210.2), dbSNP rs1209701736, ClinGen allele CA492971299.